The following is an entry in ClinVar:

ClinVar aggregate classification (germline): Uncertain significance (1 of 4 stars; one submission).

Conditions:
SEMA3D-related disorder. Also called: SEMA3D-related condition.

Submission:

PreventionGenetics, part of Exact Sciences
Classification: Uncertain significance for SEMA3D-related condition. Last evaluated: 2022-11-01. Review status: criteria provided, single submitter. Criteria: ACMG Guidelines, 2015. Collection method: clinical testing. Allele origin: germline.
Comment: The SEMA3D c.473T>A variant is predicted to result in the amino acid substitution p.Ile158Asn. To our knowledge, this variant has not been reported in the literature or in a large population database, indicating this variant is rare. At this time, the clinical significance of this variant is uncertain due to the absence of conclusive functional and genetic evidence.

NM_001384900.1(SEMA3D):c.473T>A (p.Ile158Asn)

Gene: SEMA3D (semaphorin 3D; minus strand). Cytogenetic location: 7q21.11.
Variant type: single nucleotide variant.
Coding change: c.473T>A on transcript NM_001384900.1 (MANE Select); coding-DNA position 473, T replaced by A.
Protein change: p.Ile158Asn; replaces isoleucine 158 with asparagine.
Molecular consequence: missense variant.
Genome position (GRCh38, 1-based): chr7:85,072,984, A>T on the plus strand (T>A on the coding strand, the complement: SEMA3D is on the minus strand). VCF-style: chr7-85072984-A-T. GRCh37 (hg19) VCF-style: chr7-84702300-A-T.
Other names: c.473T>A, p.Ile158Asn (NM_001384901.1, NM_001384902.1, NM_001384903.1 and 1 more transcripts); short protein forms I158N.
Identifiers: ClinVar variation 2635412 (VCV002635412.1), dbSNP rs2535325236, ClinGen allele CA368026692.